The following is an entry in ClinVar:

NM_004006.3(DMD):c.2776C>A (p.Gln926Lys)

Gene: DMD (dystrophin; minus strand). Cytogenetic location: Xp21.1.
Variant type: single nucleotide variant.
Coding change: c.2776C>A on transcript NM_004006.3 (MANE Select); coding-DNA position 2776, C replaced by A.
Protein change: p.Gln926Lys; replaces glutamine 926 with lysine.
Molecular consequence: missense variant.
Genome position (GRCh38, 1-based): chrX:32,484,946, G>T on the plus strand (C>A on the coding strand, the complement: DMD is on the minus strand). VCF-style: chrX-32484946-G-T. GRCh37 (hg19) VCF-style: chrX-32503063-G-T.
Other names: c.2752C>A, p.Gln918Lys (NM_000109.4); c.2764C>A, p.Gln922Lys (NM_004009.3); c.2407C>A, p.Gln803Lys (NM_004010.3); c.2776C>A (NM_004006.2); short protein forms Q803K, Q918K, Q922K, Q926K.
Identifiers: ClinVar variation 1009457 (VCV001009457.12), dbSNP rs1055371114, ClinGen allele CA328015880.

ClinVar aggregate classification (germline): Conflicting classifications of pathogenicity. Review status: criteria provided, conflicting classifications (1 of 4 stars). 3 submissions from 3 submitters: Uncertain significance (1); Likely benign (1). 1 of the submissions does not count toward it. Last evaluated 2025-06-14.

Conditions:
Cardiovascular phenotype. Identifiers: MedGen CN230736.
Duchenne muscular dystrophy (DMD). Also called: MUSCULAR DYSTROPHY, PSEUDOHYPERTROPHIC PROGRESSIVE, DUCHENNE TYPE; Duchenne Muscular Dystrophy (DMD). Identifiers: Orphanet 98896, MedGen C0013264, MONDO:0010679, OMIM 310200.
Dystrophin deficiency.
Becker muscular dystrophy (BMD). Also called: MUSCULAR DYSTROPHY, PSEUDOHYPERTROPHIC PROGRESSIVE, BECKER TYPE; Becker Muscular Dystrophy (BMD). Identifiers: Orphanet 98895, MedGen C0917713, MONDO:0010311, OMIM 300376.
Cardiomyopathy (CMYO). Also called: Cardiomyopathies. Identifiers: Orphanet 167848, MedGen C0878544, MONDO:0004994, HP:0001638. Inheritance: Various modes of inheritance.

Allele frequency attached by ClinVar (database versions not stated): gnomAD exomes 0.00002; TOPMed 0.00002.
gnomAD v4.1: 8 of 1,211,289 alleles (0.00066%); highest among the groups gnomAD compares: Non-Finnish European, 0.00011%; no homozygotes.

Submissions (3):

Labcorp Genetics (formerly Invitae), Labcorp
Classification: Likely benign for Duchenne muscular dystrophy. Last evaluated: 2025-06-14. Review status: criteria provided, single submitter. Criteria: Invitae Variant Classification Sherloc (09022015). Collection method: clinical testing. Allele origin: germline.

Ambry Genetics
Classification: Uncertain significance for Cardiovascular phenotype. Last evaluated: 2022-06-24. Review status: criteria provided, single submitter. Criteria: Ambry Variant Classification Scheme 2023. Collection method: clinical testing. Allele origin: germline.
Comment: The p.Q926K variant (also known as c.2776C>A), located in coding exon 21 of the DMD gene, results from a C to A substitution at nucleotide position 2776. The glutamine at codon 926 is replaced by lysine, an amino acid with similar properties. Based on data from gnomAD, the A allele has an overall frequency of 0.002% (4/182706) total alleles studied, with 1 hemizygote(s) observed. The highest observed frequency was 0.04% (3/7473) of Ashkenazi Jewish alleles. This amino acid position is not well conserved in available vertebrate species. In addition, this alteration is predicted to be tolerated by in silico analysis. Since supporting evidence is limited at this time, the clinical significance of this alteration remains unclear.

Natera, Inc.
Classification: Uncertain significance for Becker muscular dystrophy; Cardiomyopathy; Duchenne muscular dystrophy; Dystrophin deficiency. Last evaluated: 2019-07-29. Review status: no assertion criteria provided. Collection method: clinical testing. Allele origin: germline. Not counted in ClinVar's aggregate classification.